The following is an entry in ClinVar:

ClinVar aggregate classification (germline): Uncertain significance (1 of 4 stars; one submission).

Submission:

Labcorp Genetics (formerly Invitae), Labcorp
Classification: Uncertain significance. Last evaluated: 2019-11-05. Review status: criteria provided, single submitter. Criteria: Invitae Variant Classification Sherloc (09022015). Collection method: clinical testing. Allele origin: germline.
Comment: Algorithms developed to predict the effect of missense changes on protein structure and function (SIFT, PolyPhen-2, Align-GVGD) all suggest that this variant is likely to be disruptive, but these predictions have not been confirmed by published functional studies and their clinical significance is uncertain. This sequence change replaces glutamine with lysine at codon 1302 of the LRP5 protein (p.Gln1302Lys). The glutamine residue is highly conserved and there is a small physicochemical difference between glutamine and lysine. This variant is not present in population databases (ExAC no frequency). This variant has not been reported in the literature in individuals with LRP5-related conditions. In summary, the available evidence is currently insufficient to determine the role of this variant in disease. Therefore, it has been classified as a Variant of Uncertain Significance.

NM_002335.4(LRP5):c.3904C>A (p.Gln1302Lys)

Gene: LRP5 (LDL receptor related protein 5; plus strand). Cytogenetic location: 11q13.2.
Variant type: single nucleotide variant.
Coding change: c.3904C>A on transcript NM_002335.4 (MANE Select); coding-DNA position 3904, C replaced by A.
Protein change: p.Gln1302Lys; replaces glutamine 1302 with lysine.
Molecular consequence: missense variant.
Genome position (GRCh38, 1-based): chr11:68,433,742, C>A. VCF-style: chr11-68433742-C-A. GRCh37 (hg19) VCF-style: chr11-68201210-C-A.
Other names: c.2161C>A, p.Gln721Lys (NM_001291902.2); short protein forms Q721K, Q1302K.
Identifiers: ClinVar variation 957589 (VCV000957589.9), dbSNP rs2098673278, ClinGen allele CA381613869.